The following is an entry in ClinVar:

ClinVar aggregate classification (germline): Uncertain significance (1 of 4 stars; one submission).

gnomAD v4.1: 9 of 1,590,250 alleles (0.00057%); highest among the groups gnomAD compares: Non-Finnish European, 0.00077%; no homozygotes.

Submission:

Centre of Medical Genetics, University Hospital Muenster
Classification: Uncertain significance. Last evaluated: 2025-07-31. Review status: criteria provided, single submitter. Criteria: ACMG Guidelines, 2015. Collection method: clinical testing. Allele origin: unknown. Affected: yes. Observed: 1 variant allele, 1 heterozygote.
Comment: ACMG categories: PM2_sup,BP4

NM_016474.5(CCDC174):c.693G>A (p.Gly231=)

Gene: CCDC174 (coiled-coil domain containing 174; plus strand). Cytogenetic location: 3p25.1.
Variant type: single nucleotide variant.
Coding change: c.693G>A on transcript NM_016474.5 (MANE Select); coding-DNA position 693, G replaced by A.
Protein change: p.Gly231=; no amino-acid change (glycine 231 retained).
Molecular consequence: synonymous variant. On other transcripts: non-coding transcript variant (1).
Genome position (GRCh38, 1-based): chr3:14,666,916, G>A. VCF-style: chr3-14666916-G-A. GRCh37 (hg19) VCF-style: chr3-14708423-G-A.
Other names: c.693G>A, p.Gly231= (NM_001410719.1).
Identifiers: ClinVar variation 4526367 (VCV004526367.1).